The following is an entry in ClinVar:

ClinVar aggregate classification (germline): Likely pathogenic (0 of 4 stars; one submission).

Conditions:
Complex hereditary spastic paraplegia. Identifiers: Orphanet 102013, MedGen C0393556, MONDO:0015150.

Submission:

Solve-RD Consortium
Classification: Likely pathogenic for Complex hereditary spastic paraplegia. Last evaluated: 2024-06-01. Review status: no assertion criteria provided. Collection method: provider interpretation. Allele origin: de novo. Affected: yes.
Comment: This CNV was confirmed by the submitting clinician to impact a gene that corresponds with the phenotype of the affected individual, and thus deemed to be causative for their condition.

Literature cited by the submitters: PubMed 39825153.

GRCh37/hg19 6q26(chr6:162622080-162683770)x1

Gene: PRKN (parkin RBR E3 ubiquitin protein ligase; minus strand). Cytogenetic location: 6q26.
Variant type: copy number loss.
Change: copy number 1 (one copy instead of two) of chr6:162,622,080-162,683,770 (61.7 kb, GRCh37 coordinates, 1-based), cytogenetic band 6q26.
Identifiers: ClinVar variation 3338454 (VCV003338454.1).